The following is an entry in ClinVar:

NM_001351169.2(NT5C2):c.389+294T>G

Gene: NT5C2 (5'-nucleotidase, cytosolic II; minus strand). Cytogenetic location: 10q24.33.
Variant type: single nucleotide variant.
Coding change: c.389+294T>G on transcript NM_001351169.2 (MANE Select); 294 bases into the intron after coding-DNA position 389, T replaced by G.
Molecular consequence: intron variant.
Genome position (GRCh38, 1-based): chr10:103,105,412, A>C on the plus strand (T>G on the coding strand, the complement: NT5C2 is on the minus strand). VCF-style: chr10-103105412-A-C. GRCh37 (hg19) VCF-style: chr10-104865169-A-C.
Other names: c.302+294T>G (NM_001351174.1); c.-93+294T>G (NM_001351191.1, NM_001351181.2); c.-185+294T>G (NM_001351192.1, NM_001351183.2, NM_001351176.2 and 2 more transcripts); c.-208-31T>G (NM_001351193.1, NM_001351178.2); c.-367+294T>G (NM_001351194.2, NM_001351195.2); c.-377+294T>G (NM_001351180.2, NM_001351188.2, NM_001351184.2 and 3 more transcripts); c.389+294T>G (NM_001134373.3, NM_012229.5); c.-398+294T>G (NM_001351185.2); and 6 more.
Identifiers: ClinVar variation 4854998 (VCV004854998.1).

ClinVar aggregate classification (germline): Uncertain significance (1 of 4 stars; one submission).

Conditions:
Hereditary spastic paraplegia 45. Also called: SPASTIC PARAPLEGIA 45; Spastic paraplegia 45, autosomal recessive. Identifiers: Orphanet 320396, MedGen C3888209, MONDO:0013165, OMIM 613162.

gnomAD v4.1: 11 of 868,768 alleles (0.0013%); highest among the groups gnomAD compares: East Asian, 0.0057%; no homozygotes.

Submission:

3billion
Classification: Uncertain significance for Hereditary spastic paraplegia 45. Last evaluated: 2025-07-01. Review status: criteria provided, single submitter. Criteria: ACMG Guidelines, 2015. Collection method: clinical testing. Allele origin: germline. Affected: yes.
Comment: The variant is observed at an extremely low frequency in the gnomAD v4.1.0 dataset (total allele frequency: <0.001%). Predicted Consequence/Location: Canonical splice site: predicted to alter splicing and result in a loss or disruption of normal protein function. The predicted truncated protein may be shortened by more than 10%. In silico tools predict the variant to alter splicing and produce an abnormal transcript [SpliceAI: 0.89 (spliceogenicity >=0.2, non-spliceogenicity <0.1)]. The variant has been reported at least twice as pathogenic with clinical assertions and evidence for the classification (ClinVar ID: VCV001048080 /3billion dataset). Therefore, this variant is classified as Pathogenic according to the recommendation of ACMG/AMP guideline.